The following is an entry in ClinVar:

NM_004544.4(NDUFA10):c.*1930C>G

Gene: NDUFA10 (NADH:ubiquinone oxidoreductase subunit A10; minus strand). Cytogenetic location: 2q37.3.
Variant type: single nucleotide variant.
Coding change: c.*1930C>G on transcript NM_004544.4 (MANE Select); 1930 bases downstream of the stop codon, C replaced by G.
Molecular consequence: 3 prime UTR variant. On other transcripts: non-coding transcript variant (3).
Genome position (GRCh38, 1-based): chr2:239,959,188, G>C on the plus strand (C>G on the coding strand, the complement: NDUFA10 is on the minus strand). VCF-style: chr2-239959188-G-C. GRCh37 (hg19) VCF-style: chr2-240898605-G-C.
Other names: c.*1935C>G (NM_001322020.2).
Identifiers: ClinVar variation 898493 (VCV000898493.4), dbSNP rs535714073, ClinGen allele CA68047822.

ClinVar aggregate classification (germline): Conflicting classifications of pathogenicity. Review status: criteria provided, conflicting classifications (1 of 4 stars). 2 submissions from 1 submitter: Uncertain significance (1); Likely benign (1). Last evaluated 2018-01-12.

Conditions:
Leigh syndrome (NULS). Also called: Leigh Disease; Subacute necrotizing encephalopathy; Leigh Syndrome (mtDNA deletion); Leigh's syndrome; Leigh's necrotizing encephalopathy; Leigh's disease. Identifiers: Orphanet 506, MedGen C2931891, MONDO:0009723, OMIM 256000.
Mitochondrial complex I deficiency, nuclear type 1. Also called: NADH-COENZYME Q REDUCTASE DEFICIENCY; MITOCHONDRIAL NADH DEHYDROGENASE COMPONENT OF COMPLEX I, DEFICIENCY OF. Identifiers: MedGen C6022305, MONDO:0100224, OMIM 252010.

Allele frequency attached by ClinVar (database versions not stated): gnomAD 0.00001 and 0.00050; TOPMed 0.00009; 1000 Genomes Project 30x 0.00468; 1000 Genomes Project 0.00479.
gnomAD v4.1: 319 of 982,312 alleles (0.032%); highest among the groups gnomAD compares: South Asian, 1.3%; 6 homozygotes.

Submissions (2):

Illumina Laboratory Services, Illumina
Classification: Likely benign for Leigh syndrome. Last evaluated: 2018-01-12. Review status: criteria provided, single submitter. Criteria: ICSL Variant Classification Criteria 13 December 2019. Collection method: clinical testing. Allele origin: germline.
Comment: This variant was observed in the ICSL laboratory as part of a predisposition screen in an ostensibly healthy population. It had not been previously curated by ICSL or reported in the Human Gene Mutation Database (HGMD: prior to June 1st, 2018), and was therefore a candidate for classification through an automated scoring system. Utilizing variant allele frequency, disease prevalence and penetrance estimates, and inheritance mode, an automated score was calculated to assess if this variant is too frequent to cause the disease. Based on the score and internal cut-off values, a variant classified as likely benign is not then subjected to further curation. The score for this variant resulted in a classification of likely benign for this disease.

Illumina Laboratory Services, Illumina
Classification: Uncertain significance for Mitochondrial complex I deficiency, nuclear type 1. Last evaluated: 2018-01-12. Review status: criteria provided, single submitter. Criteria: ICSL Variant Classification Criteria 13 December 2019. Collection method: clinical testing. Allele origin: germline.